The following is an entry in ClinVar:

NM_001244008.2(KIF1A):c.882+8G>A

Gene: KIF1A (kinesin family member 1A; minus strand). Cytogenetic location: 2q37.3.
Variant type: single nucleotide variant.
Coding change: c.882+8G>A on transcript NM_001244008.2 (MANE Select); 8 bases into the intron after coding-DNA position 882, G replaced by A.
Molecular consequence: intron variant.
Genome position (GRCh38, 1-based): chr2:240,782,582, C>T on the plus strand (G>A on the coding strand, the complement: KIF1A is on the minus strand). VCF-style: chr2-240782582-C-T. GRCh37 (hg19) VCF-style: chr2-241721999-C-T.
Other names: c.882+8G>A (NM_001379653.1, NM_001379650.1, NM_001379645.1 and 20 more transcripts).
Identifiers: ClinVar variation 335278 (VCV000335278.36), dbSNP rs376552408, ClinGen allele CA2208612.

ClinVar aggregate classification (germline): Conflicting classifications of pathogenicity. Review status: criteria provided, conflicting classifications (1 of 4 stars). 10 submissions from 10 submitters: Uncertain significance (4); Likely benign (6). Last evaluated 2026-02-04.

Conditions:
Hereditary spastic paraplegia. Also called: Familial spastic paraparesis. Identifiers: Orphanet 685, MedGen C0037773, MONDO:0019064. Disease mechanism: loss of function.
Hereditary spastic paraplegia 30. Identifiers: Orphanet 101010, MedGen C5235139, MONDO:0012476.
Spastic paraplegia. Identifiers: MedGen C0037772, HP:0001258.
KIF1A-related disorder. Also called: KIF1A-related disorders; KIF1A-related condition.
Neuropathy, hereditary sensory, type 2C. Also called: KIF1A-Related HSAN2 (HSAN2C); Hereditary sensory and autonomic neuropathy type IIC. Identifiers: Orphanet 970, MedGen C3280168, MONDO:0013634, OMIM 614213.
Intellectual disability, autosomal dominant 9 (NESCAVS). Also called: NESCAV SYNDROME; KIF1A-Related Neurodevelopmental Disorder. Identifiers: Orphanet 662367, MedGen C5393830, MONDO:0013656, OMIM 614255.

Allele frequency attached by ClinVar (database versions not stated): ExAC 0.00010; gnomAD exomes 0.00010 and 0.00033; 1000 Genomes Project 30x 0.00016; ESP Exome Variant Server 0.00017; gnomAD 0.00018 and 0.00019; TOPMed 0.00020.
gnomAD v4.1: 496 of 1,552,372 alleles (0.032%); highest among the groups gnomAD compares: Non-Finnish European, 0.04%; no homozygotes.

Submissions (10):

PreventionGenetics, part of Exact Sciences
Classification: Likely benign for KIF1A-related condition. Last evaluated: 2026-02-04. Review status: criteria provided, single submitter. Criteria: ACMG Guidelines, 2015. Collection method: clinical testing. Allele origin: germline.
Comment: This variant is classified as likely benign based on ACMG/AMP sequence variant interpretation guidelines (Richards et al. 2015 PMID: 25741868, with internal and published modifications).

Labcorp Genetics (formerly Invitae), Labcorp
Classification: Likely benign for Hereditary spastic paraplegia 30; Neuropathy, hereditary sensory, type 2C; Intellectual disability, autosomal dominant 9. Last evaluated: 2026-01-09. Review status: criteria provided, single submitter. Criteria: Invitae Variant Classification Sherloc (09022015). Collection method: clinical testing. Allele origin: germline.

Women's Health and Genetics/Laboratory Corporation of America, LabCorp
Classification: Likely benign. Last evaluated: 2025-05-13. Review status: criteria provided, single submitter. Criteria: LabCorp Variant Classification Summary - May 2015. Collection method: clinical testing. Allele origin: germline.
Comment: Variant summary: KIF1A c.882+8G>A alters a nucleotide located at a position not widely known to affect splicing. Consensus agreement among computation tools predict no significant impact on normal splicing. However, these predictions have yet to be confirmed by functional studies. The variant allele was found at a frequency of 0.0001 in 158478 control chromosomes (gnomAD). This frequency is not significantly higher than estimated for a pathogenic variant in KIF1A causing Neuropathy, hereditary sensory, type 2C (0.0001 vs 0.0011), allowing no conclusion about variant significance. To our knowledge, no occurrence of c.882+8G>A in individuals affected with Neuropathy, hereditary sensory, type 2C and no experimental evidence demonstrating its impact on protein function have been reported. ClinVar contains an entry for this variant (Variation ID: 335278). Based on the evidence outlined above, the variant was classified as likely benign.

CeGaT Center for Human Genetics Tuebingen
Classification: Uncertain significance. Last evaluated: 2025-01-01. Review status: criteria provided, single submitter. Criteria: CeGaT Center For Human Genetics Tuebingen Variant Classification Criteria Version 2. Collection method: clinical testing. Allele origin: germline. Affected: yes. Observed: 2 variant alleles.
Comment: KIF1A: PM2, BP4

Blueprint Genetics
Classification: Likely benign. Last evaluated: 2024-01-04. Review status: criteria provided, single submitter. Criteria: ACMG Guidelines, 2015. Collection method: clinical testing. Allele origin: germline.

Athena Diagnostics
Classification: Likely benign. Last evaluated: 2021-05-11. Review status: criteria provided, single submitter. Criteria: Athena Diagnostics criteria. Collection method: clinical testing. Allele origin: unknown.

Illumina Laboratory Services, Illumina
Classification: Uncertain significance for Spastic paraplegia 30A, autosomal dominant. Last evaluated: 2018-01-13. Review status: criteria provided, single submitter. Criteria: ICSL Variant Classification Criteria 13 December 2019. Collection method: clinical testing. Allele origin: germline.

Genome Diagnostics Laboratory, The Hospital for Sick Children
Classification: Uncertain significance for Hereditary spastic paraplegia. Last evaluated: 2016-12-12. Review status: criteria provided, single submitter. Criteria: ACMG Guidelines, 2015. Collection method: clinical testing. Allele origin: germline. Affected: yes.

GeneDx
Classification: Likely benign. Last evaluated: 2016-05-24. Review status: criteria provided, single submitter. Criteria: GeneDx Variant Classification (06012015). Collection method: clinical testing. Allele origin: germline. Affected: yes.
Comment: This variant is considered likely benign or benign based on one or more of the following criteria: it is a conservative change, it occurs at a poorly conserved position in the protein, it is predicted to be benign by multiple in silico algorithms, and/or has population frequency not consistent with disease.

Paris Brain Institute, Inserm - ICM
Classification: Uncertain significance for Spastic paraplegia. Review status: criteria provided, single submitter. Criteria: ACMG Guidelines, 2015. Collection method: clinical testing. Allele origin: unknown. Affected: yes. Observed: 1 variant allele.